The following is an entry in ClinVar:

ClinVar aggregate classification (germline): Uncertain significance (1 of 4 stars; one submission).

gnomAD v4.1: 1 of 1,614,142 alleles (0.000062%); highest among the groups gnomAD compares: Non-Finnish European, 0.000085%; no homozygotes.

Submission:

GeneDx
Classification: Uncertain significance. Last evaluated: 2026-03-27. Review status: criteria provided, single submitter. Criteria: GeneDx Variant Classification Process June 2021. Collection method: clinical testing. Allele origin: germline.
Comment: Not observed at significant frequency in large population cohorts (gnomAD); Missense variants in this gene are a common cause of disease and they are underrepresented in the general population; In silico analysis suggests that this missense variant does not alter protein structure/function; Has not been previously published as pathogenic or benign to our knowledge; This variant is associated with the following publications: (PMID: 19156172, 22177953, 22753777, 25370473, 26399658, 29493581)

NM_030662.4(MAP2K2):c.167C>G (p.Ala56Gly)

Gene: MAP2K2 (mitogen-activated protein kinase kinase 2; minus strand). Cytogenetic location: 19p13.3.
Variant type: single nucleotide variant.
Coding change: c.167C>G on transcript NM_030662.4 (MANE Select); coding-DNA position 167, C replaced by G.
Protein change: p.Ala56Gly; replaces alanine 56 with glycine.
Molecular consequence: missense variant.
Genome position (GRCh38, 1-based): chr19:4,117,555, G>C on the plus strand (C>G on the coding strand, the complement: MAP2K2 is on the minus strand). VCF-style: chr19-4117555-G-C. GRCh37 (hg19) VCF-style: chr19-4117553-G-C.
Other names: c.167C>G, p.Ala56Gly (NM_001440688.1); short protein forms A56G.
Identifiers: ClinVar variation 5017556 (VCV005017556.1).